The following is an entry in ClinVar:

NM_001199753.2(CPT1C):c.1331G>A (p.Arg444Gln)

Gene: CPT1C (carnitine palmitoyltransferase 1C; plus strand). Cytogenetic location: 19q13.33.
Variant type: single nucleotide variant.
Coding change: c.1331G>A on transcript NM_001199753.2 (MANE Select); coding-DNA position 1331, G replaced by A.
Protein change: p.Arg444Gln; replaces arginine 444 with glutamine.
Molecular consequence: missense variant. On other transcripts: non-coding transcript variant (1).
Genome position (GRCh38, 1-based): chr19:49,706,401, G>A. VCF-style: chr19-49706401-G-A. GRCh37 (hg19) VCF-style: chr19-50209658-G-A.
Other names: c.1298G>A, p.Arg433Gln (NM_001136052.3, NM_001378485.1, NM_001378487.1); c.1331G>A, p.Arg444Gln (NM_001199752.3, NM_001378483.1, NM_001378484.1 and 3 more transcripts); c.1397G>A, p.Arg466Gln (NM_001378482.1); short protein forms R433Q, R466Q, R444Q.
Identifiers: ClinVar variation 2053384 (VCV002053384.4), dbSNP rs752011825, ClinGen allele CA9582140.

ClinVar aggregate classification (germline): Uncertain significance (1 of 4 stars; one submission).

Conditions:
Hereditary spastic paraplegia 73. Also called: Spastic paraplegia 73, autosomal dominant. Identifiers: Orphanet 444099, MedGen C5568981, MONDO:0014568, OMIM 616282.

Allele frequency attached by ClinVar (database versions not stated): TOPMed below 0.00001.
gnomAD v4.1: 21 of 1,486,900 alleles (0.0014%); highest among the groups gnomAD compares: South Asian, 0.0027%; no homozygotes.

Submission:

Labcorp Genetics (formerly Invitae), Labcorp
Classification: Uncertain significance for Hereditary spastic paraplegia 73. Last evaluated: 2025-10-06. Review status: criteria provided, single submitter. Criteria: Invitae Variant Classification Sherloc (09022015). Collection method: clinical testing. Allele origin: germline.
Comment: This sequence change replaces arginine, which is basic and polar, with glutamine, which is neutral and polar, at codon 433 of the CPT1C protein (p.Arg433Gln). The frequency data for this variant in the population databases is considered unreliable, as metrics indicate poor data quality at this position in the gnomAD database. This variant has not been reported in the literature in individuals affected with CPT1C-related conditions. ClinVar contains an entry for this variant (Variation ID: 2053384). Invitae Evidence Modeling of protein sequence and biophysical properties (such as structural, functional, and spatial information, amino acid conservation, physicochemical variation, residue mobility, and thermodynamic stability) indicates that this missense variant is not expected to disrupt CPT1C protein function with a negative predictive value of 80%. In summary, the available evidence is currently insufficient to determine the role of this variant in disease. Therefore, it has been classified as a Variant of Uncertain Significance.